The following is an entry in ClinVar:

NM_020297.4(ABCC9):c.372T>G (p.Asn124Lys)

Gene: ABCC9 (ATP binding cassette subfamily C member 9; minus strand). Cytogenetic location: 12p12.1.
Variant type: single nucleotide variant.
Coding change: c.372T>G on transcript NM_020297.4 (MANE Select); coding-DNA position 372, T replaced by G.
Protein change: p.Asn124Lys; replaces asparagine 124 with lysine.
Molecular consequence: missense variant. On other transcripts: 5 prime UTR variant (1).
Genome position (GRCh38, 1-based): chr12:21,925,976, A>C on the plus strand (T>G on the coding strand, the complement: ABCC9 is on the minus strand). VCF-style: chr12-21925976-A-C. GRCh37 (hg19) VCF-style: chr12-22078910-A-C.
Other names: c.372T>G, p.Asn124Lys (NM_001377273.1, NM_005691.4); c.-83T>G (NM_001377274.1); short protein forms N124K.
Identifiers: ClinVar variation 4854096 (VCV004854096.1).
Genomic context (GRCh38, chr12:21,925,976, plus strand): 5'-GAAACAACAAAAGTGATCATACTTACCTAAAAGTAATTTAGGAAAATTTGATGTTTCGAT[A>C]TTATGATAATACACTATCGATGTTGTAGTGGCAACGAATCCCATCACGGCTGGCATAAAG-3'
Protein context (NP_064693.2, residues 114-134): ATTTSIVYYH[Asn124Lys]IETSNFPKLL

ClinVar aggregate classification (germline): Uncertain significance (1 of 4 stars; one submission).

Conditions:
Hypertrichotic osteochondrodysplasia Cantu type. Also called: Cantú Syndrome; Cantu Syndrome. Identifiers: Orphanet 1517, MedGen C0795905, MONDO:0009406, OMIM 239850.

Submission:

3billion
Classification: Uncertain significance for Hypertrichotic osteochondrodysplasia Cantu type. Last evaluated: 2025-08-01. Review status: criteria provided, single submitter. Criteria: ACMG Guidelines, 2015. Collection method: clinical testing. Allele origin: germline. Affected: yes.
Comment: The variant is not observed in the gnomAD v4.1.0 dataset. Predicted Consequence/Location: Missense variant. Missense changes are a common disease-causing mechanism. In silico tool predictions suggest damaging effect of the variant on gene or gene product [REVEL: 0.64 (>=0.6, sensitivity 0.68 and specificity 0.92)]. Therefore, this variant is classified as VUS according to the recommendation of ACMG/AMP guideline.